The following is an entry in ClinVar:

NM_000245.4(MET):c.1786T>C (p.Phe596Leu)

Gene: MET (MET proto-oncogene, receptor tyrosine kinase; plus strand). Cytogenetic location: 7q31.2.
Variant type: single nucleotide variant.
Coding change: c.1786T>C on transcript NM_000245.4 (MANE Select); coding-DNA position 1786, T replaced by C.
Protein change: p.Phe596Leu; replaces phenylalanine 596 with leucine.
Molecular consequence: missense variant.
Genome position (GRCh38, 1-based): chr7:116,755,439, T>C. VCF-style: chr7-116755439-T-C. GRCh37 (hg19) VCF-style: chr7-116395493-T-C.
Other names: c.1786T>C, p.Phe596Leu (NM_001127500.3, NM_001324401.3); c.496T>C, p.Phe166Leu (NM_001324402.2); short protein forms F166L, F596L.
Identifiers: ClinVar variation 1780102 (VCV001780102.2), dbSNP rs879254332, ClinGen allele CA368977903.

ClinVar aggregate classification (germline): Uncertain significance (1 of 4 stars; one submission).

Conditions:
Hereditary cancer-predisposing syndrome. Also called: Neoplastic Syndromes, Hereditary; Tumor predisposition; Hereditary Cancer Syndrome; Hereditary neoplastic syndrome. Identifiers: Orphanet 140162, MedGen C0027672, MeSH D009386, MONDO:0015356.

Submission:

Ambry Genetics
Classification: Uncertain significance for Hereditary cancer-predisposing syndrome. Last evaluated: 2020-04-06. Review status: criteria provided, single submitter. Criteria: Ambry Variant Classification Scheme 2023. Collection method: clinical testing. Allele origin: germline.
Comment: The p.F596L variant (also known as c.1786T>C), located in coding exon 5 of the MET gene, results from a T to C substitution at nucleotide position 1786. The phenylalanine at codon 596 is replaced by leucine, an amino acid with highly similar properties. This amino acid position is well conserved in available vertebrate species. In addition, this alteration is predicted to be tolerated by in silico analysis. Since supporting evidence is limited at this time, the clinical significance of this alteration remains unclear.